The following is an entry in ClinVar:

ClinVar aggregate classification (germline): Uncertain significance (1 of 4 stars; one submission).

Conditions:
Renal cell carcinoma. Identifiers: Orphanet 217071, MedGen C0007134, MeSH D002292, MONDO:0005086, HP:0005584.

Submission:

Labcorp Genetics (formerly Invitae), Labcorp
Classification: Uncertain significance for Renal cell carcinoma. Last evaluated: 2022-04-04. Review status: criteria provided, single submitter. Criteria: Invitae Variant Classification Sherloc (09022015). Collection method: clinical testing. Allele origin: germline.
Comment: This sequence change replaces valine, which is neutral and non-polar, with phenylalanine, which is neutral and non-polar, at codon 1069 of the MET protein (p.Val1069Phe). This variant is not present in population databases (gnomAD no frequency). This variant has not been reported in the literature in individuals affected with MET-related conditions. Algorithms developed to predict the effect of missense changes on protein structure and function are either unavailable or do not agree on the potential impact of this missense change (SIFT: "Deleterious"; PolyPhen-2: "Possibly Damaging"; Align-GVGD: "Class C0"). In summary, the available evidence is currently insufficient to determine the role of this variant in disease. Therefore, it has been classified as a Variant of Uncertain Significance.

NM_000245.4(MET):c.3151G>T (p.Val1051Phe)

Gene: MET (MET proto-oncogene, receptor tyrosine kinase; plus strand). Cytogenetic location: 7q31.2.
Variant type: single nucleotide variant.
Coding change: c.3151G>T on transcript NM_000245.4 (MANE Select); coding-DNA position 3151, G replaced by T.
Protein change: p.Val1051Phe; replaces valine 1051 with phenylalanine.
Molecular consequence: missense variant.
Genome position (GRCh38, 1-based): chr7:116,775,003, G>T. VCF-style: chr7-116775003-G-T. GRCh37 (hg19) VCF-style: chr7-116415057-G-T.
Other names: c.3205G>T, p.Val1069Phe (NM_001127500.3); c.1861G>T, p.Val621Phe (NM_001324402.2); short protein forms V1069F, V621F, V1051F.
Identifiers: ClinVar variation 1929227 (VCV001929227.5), dbSNP rs775997318, ClinGen allele CA368988365.